The following is an entry in ClinVar:

ClinVar aggregate classification (germline): Benign (0 of 4 stars; one submission).

Conditions:
KLF7-related disorder.

Allele frequency attached by ClinVar (database versions not stated): gnomAD exomes 0.00016; ExAC 0.00069; gnomAD 0.00201; TOPMed 0.00214; ESP Exome Variant Server 0.00238; 1000 Genomes Project 0.00319; 1000 Genomes Project 30x 0.00328.
gnomAD v4.1: 530 of 1,607,550 alleles (0.033%); highest among the groups gnomAD compares: African/African-American, 0.65%; 1 homozygote.

Submission:

PreventionGenetics, part of Exact Sciences
Classification: Benign for KLF7-related condition. Last evaluated: 2019-05-20. Review status: no assertion criteria provided. Collection method: clinical testing. Allele origin: germline.
Comment: This variant is classified as benign based on ACMG/AMP sequence variant interpretation guidelines (Richards et al. 2015 PMID: 25741868, with internal and published modifications).

NM_003709.4(KLF7):c.171C>T (p.Asp57=)

Gene: KLF7 (KLF transcription factor 7; minus strand). Cytogenetic location: 2q33.3.
Variant type: single nucleotide variant.
Coding change: c.171C>T on transcript NM_003709.4 (MANE Select); coding-DNA position 171, C replaced by T.
Protein change: p.Asp57=; no amino-acid change (aspartic acid 57 retained).
Molecular consequence: synonymous variant.
Genome position (GRCh38, 1-based): chr2:207,124,336, G>A on the plus strand (C>T on the coding strand, the complement: KLF7 is on the minus strand). VCF-style: chr2-207124336-G-A. GRCh37 (hg19) VCF-style: chr2-207989060-G-A.
Other names: c.171C>T, p.Asp57= (NM_001270942.1); c.72C>T, p.Asp24= (NM_001270943.2); c.87C>T, p.Asp29= (NM_001270944.2).
Identifiers: ClinVar variation 3041596 (VCV003041596.2), dbSNP rs61743721, ClinGen allele CA2075914.